The following is an entry in ClinVar:

NM_198129.4(LAMA3):c.2874T>G (p.Val958=)

Gene: LAMA3 (laminin subunit alpha 3; plus strand). Cytogenetic location: 18q11.2.
Variant type: single nucleotide variant.
Coding change: c.2874T>G on transcript NM_198129.4 (MANE Select); coding-DNA position 2874, T replaced by G.
Protein change: p.Val958=; no amino-acid change (valine 958 retained).
Molecular consequence: synonymous variant.
Genome position (GRCh38, 1-based): chr18:23,833,878, T>G. VCF-style: chr18-23833878-T-G. GRCh37 (hg19) VCF-style: chr18-21413842-T-G.
Other names: c.2874T>G, p.Val958= (NM_001127717.4).
Identifiers: ClinVar variation 777487 (VCV000777487.11), dbSNP rs61751702, ClinGen allele CA8915084.

ClinVar aggregate classification (germline): Likely benign. Review status: criteria provided, single submitter (1 of 4 stars). 2 submissions from 2 submitters: Likely benign (1). 1 of the submissions does not count toward it. Last evaluated 2021-10-11.

Conditions:
LAMA3-related disorder. Also called: LAMA3-related disorders; LAMA3-related condition.

Allele frequency attached by ClinVar (database versions not stated): gnomAD exomes 0.00030; TOPMed 0.00035; gnomAD 0.00045 and 0.00043; ESP Exome Variant Server 0.00063; ExAC 0.00034.
gnomAD v4.1: 710 of 1,613,970 alleles (0.044%); highest among the groups gnomAD compares: Non-Finnish European, 0.056%; 1 homozygote.

Submissions (2):

Labcorp Genetics (formerly Invitae), Labcorp
Classification: Likely benign. Last evaluated: 2021-10-11. Review status: criteria provided, single submitter. Criteria: Invitae Variant Classification Sherloc (09022015). Collection method: clinical testing. Allele origin: germline.

PreventionGenetics, part of Exact Sciences
Classification: Likely benign for LAMA3-related condition. Last evaluated: 2024-05-10. Review status: no assertion criteria provided. Collection method: clinical testing. Allele origin: germline. Not counted in ClinVar's aggregate classification.
Comment: This variant is classified as likely benign based on ACMG/AMP sequence variant interpretation guidelines (Richards et al. 2015 PMID: 25741868, with internal and published modifications).